The following is an entry in ClinVar:

NM_147127.5(EVC2):c.707-20_707-19del

Gene: EVC2 (EvC ciliary complex subunit 2; minus strand). Cytogenetic location: 4p16.2.
Variant type: Deletion.
Coding change: c.707-20_707-19del on transcript NM_147127.5 (MANE Select); 20 bases into the intron before coding-DNA position 707 through 19 bases into the intron before coding-DNA position 707, 2 bases deleted (AT; older notation c.707-20_707-19delAT).
Molecular consequence: intron variant.
Genome position (GRCh38, 1-based): chr4:5,685,498-5,685,499, AT deleted on the plus strand (AT on the coding strand, the reverse complement: EVC2 is on the minus strand). VCF-style (leftmost placement, unchanged base first): chr4-5685497-CAT-C. GRCh37 (hg19) VCF-style: chr4-5687224-CAT-C.
Other names: c.467-20_467-19del (NM_001166136.2).
Identifiers: ClinVar variation 514070 (VCV000514070.13), dbSNP rs777343377, ClinGen allele CA2835333.

ClinVar aggregate classification (germline): Likely benign. Review status: criteria provided, multiple submitters, no conflicts (2 of 4 stars). 4 submissions from 4 submitters: Likely benign (4). Last evaluated 2025-12-28.

Conditions:
Ellis-van Creveld syndrome (EVC). Also called: Chondroectodermal dysplasia; MESOECTODERMAL DYSPLASIA. Identifiers: Orphanet 289, MedGen C0013903, MONDO:0009162, OMIM 225500.
Curry-Hall syndrome (WAD). Also called: WEYERS ACRODENTAL DYSOSTOSIS. Identifiers: Orphanet 952, MedGen C0457013, MONDO:0008673, OMIM 193530.

Allele frequency attached by ClinVar (database versions not stated): gnomAD exomes 0.00002 and 0.00010; gnomAD 0.00005; ExAC 0.00007; ESP Exome Variant Server 0.00008; TOPMed 0.00008.

Submissions (4):

Labcorp Genetics (formerly Invitae), Labcorp
Classification: Likely benign for Curry-Hall syndrome; Ellis-van Creveld syndrome. Last evaluated: 2025-12-28. Review status: criteria provided, single submitter. Criteria: Invitae Variant Classification Sherloc (09022015). Collection method: clinical testing. Allele origin: germline.

Blueprint Genetics
Classification: Likely benign. Last evaluated: 2024-07-02. Review status: criteria provided, single submitter. Criteria: ACMG Guidelines, 2015. Collection method: clinical testing. Allele origin: germline.

ARUP Laboratories, Molecular Genetics and Genomics, ARUP Laboratories
Classification: Likely benign. Last evaluated: 2020-06-08. Review status: criteria provided, single submitter. Criteria: ARUP Molecular Germline Variant Investigation Process. Collection method: clinical testing. Allele origin: germline.

GeneDx
Classification: Likely benign. Last evaluated: 2017-12-08. Review status: criteria provided, single submitter. Criteria: GeneDx Variant Classification (06012015). Collection method: clinical testing. Allele origin: germline. Affected: yes.
Comment: This variant is considered likely benign or benign based on one or more of the following criteria: it is a conservative change, it occurs at a poorly conserved position in the protein, it is predicted to be benign by multiple in silico algorithms, and/or has population frequency not consistent with disease.